The following is an entry in ClinVar:

ClinVar aggregate classification (germline): Uncertain significance (1 of 4 stars; one submission).

Allele frequency attached by ClinVar (database versions not stated): TOPMed below 0.00001.

Submission:

Labcorp Genetics (formerly Invitae), Labcorp
Classification: Uncertain significance. Last evaluated: 2022-06-26. Review status: criteria provided, single submitter. Criteria: Invitae Variant Classification Sherloc (09022015). Collection method: clinical testing. Allele origin: germline.
Comment: In summary, the available evidence is currently insufficient to determine the role of this variant in disease. Therefore, it has been classified as a Variant of Uncertain Significance. Advanced modeling of protein sequence and biophysical properties (such as structural, functional, and spatial information, amino acid conservation, physicochemical variation, residue mobility, and thermodynamic stability) performed at Invitae indicates that this missense variant is not expected to disrupt BEST1 protein function. This variant has not been reported in the literature in individuals affected with BEST1-related conditions. This variant is present in population databases (no rsID available, gnomAD 0.003%). This sequence change replaces aspartic acid, which is acidic and polar, with asparagine, which is neutral and polar, at codon 441 of the BEST1 protein (p.Asp441Asn).

NM_004183.4(BEST1):c.1321G>A (p.Asp441Asn)

Gene: BEST1 (bestrophin 1; plus strand). Cytogenetic location: 11q12.3.
Variant type: single nucleotide variant.
Coding change: c.1321G>A on transcript NM_004183.4 (MANE Select); coding-DNA position 1321, G replaced by A.
Protein change: p.Asp441Asn; replaces aspartic acid 441 with asparagine.
Molecular consequence: missense variant. On other transcripts: non-coding transcript variant (1).
Genome position (GRCh38, 1-based): chr11:61,962,475, G>A. VCF-style: chr11-61962475-G-A. GRCh37 (hg19) VCF-style: chr11-61729947-G-A.
Other names: c.1141G>A, p.Asp381Asn (NM_001139443.3, NM_001300787.2); c.1060G>A, p.Asp354Asn (NM_001300786.2); c.1003G>A, p.Asp335Asn (NM_001363591.3); c.*216G>A (NM_001363592.2); c.349G>A, p.Asp117Asn (NM_001363593.3); short protein forms D381N, D117N, D335N, D354N, D441N.
Identifiers: ClinVar variation 1961880 (VCV001961880.5), dbSNP rs977805937, ClinGen allele CA222941928.